The following is an entry in ClinVar:

NM_006214.4(PHYH):c.739C>T (p.His247Tyr)

Gene: PHYH (phytanoyl-CoA 2-hydroxylase; minus strand). Cytogenetic location: 10p13.
Variant type: single nucleotide variant.
Coding change: c.739C>T on transcript NM_006214.4 (MANE Select); coding-DNA position 739, C replaced by T.
Protein change: p.His247Tyr; replaces histidine 247 with tyrosine.
Molecular consequence: missense variant.
Genome position (GRCh38, 1-based): chr10:13,283,779, G>A on the plus strand (C>T on the coding strand, the complement: PHYH is on the minus strand). VCF-style: chr10-13283779-G-A. GRCh37 (hg19) VCF-style: chr10-13325779-G-A.
Other names: c.439C>T, p.His147Tyr (NM_001037537.2, NM_001323080.2); c.745C>T, p.His249Tyr (NM_001323082.2); c.475C>T, p.His159Tyr (NM_001323083.2); c.445C>T, p.His149Tyr (NM_001323084.2); short protein forms H147Y, H247Y, H149Y, H159Y, H249Y.
Identifiers: ClinVar variation 879440 (VCV000879440.10), dbSNP rs1835475877, ClinGen allele CA376034266.

ClinVar aggregate classification (germline): Uncertain significance. Review status: criteria provided, multiple submitters, no conflicts (2 of 4 stars). 2 submissions from 2 submitters: Uncertain significance (2). Last evaluated 2023-12-09.

Conditions:
Refsum disease, classic. Also called: PHYH-Related Refsum Disease; HEREDOPATHIA ATACTICA POLYNEURITIFORMIS; HMSN IV; PHYTANIC ACID OXIDASE DEFICIENCY. Identifiers: Orphanet 773, MedGen C5780941, MONDO:1060256, OMIM 266500. Disease mechanism: loss of function.

Allele frequency attached by ClinVar (database versions not stated): TOPMed below 0.00001; gnomAD exomes below 0.00001.

Submissions (2):

Labcorp Genetics (formerly Invitae), Labcorp
Classification: Uncertain significance. Last evaluated: 2023-12-09. Review status: criteria provided, single submitter. Criteria: Invitae Variant Classification Sherloc (09022015). Collection method: clinical testing. Allele origin: germline.
Comment: This sequence change replaces histidine, which is basic and polar, with tyrosine, which is neutral and polar, at codon 247 of the PHYH protein (p.His247Tyr). This variant is not present in population databases (gnomAD no frequency). This variant has not been reported in the literature in individuals affected with PHYH-related conditions. ClinVar contains an entry for this variant (Variation ID: 879440). Advanced modeling of protein sequence and biophysical properties (such as structural, functional, and spatial information, amino acid conservation, physicochemical variation, residue mobility, and thermodynamic stability) performed at Invitae indicates that this missense variant is not expected to disrupt PHYH protein function with a negative predictive value of 80%. In summary, the available evidence is currently insufficient to determine the role of this variant in disease. Therefore, it has been classified as a Variant of Uncertain Significance.

Illumina Laboratory Services, Illumina
Classification: Uncertain significance for Refsum disease, classic. Last evaluated: 2018-01-12. Review status: criteria provided, single submitter. Criteria: ICSL Variant Classification Criteria 13 December 2019. Collection method: clinical testing. Allele origin: germline.